The following is an entry in ClinVar:

ClinVar aggregate classification (germline): Uncertain significance. Review status: criteria provided, multiple submitters, no conflicts (2 of 4 stars). 2 submissions from 2 submitters: Uncertain significance (2). Last evaluated 2025-11-11.

Conditions:
Inborn genetic diseases. Identifiers: MedGen C0950123, MeSH D030342.

Allele frequency attached by ClinVar (database versions not stated): TOPMed 0.00002.
gnomAD v4.1: 5 of 1,476,696 alleles (0.00034%); highest among the groups gnomAD compares: Non-Finnish European, 0.00045%; no homozygotes.

Submissions (2):

Labcorp Genetics (formerly Invitae), Labcorp
Classification: Uncertain significance. Last evaluated: 2025-11-11. Review status: criteria provided, single submitter. Criteria: Invitae Variant Classification Sherloc (09022015). Collection method: clinical testing. Allele origin: germline.
Comment: This sequence change replaces threonine, which is neutral and polar, with serine, which is neutral and polar, at codon 10 of the CDH2 protein (p.Thr10Ser). This variant is not present in population databases (gnomAD no frequency). This variant has not been reported in the literature in individuals affected with CDH2-related conditions. ClinVar contains an entry for this variant (Variation ID: 1933814). An algorithm developed to predict the effect of missense changes on protein structure and function (PolyPhen-2) suggests that this variant is likely to be tolerated. In summary, the available evidence is currently insufficient to determine the role of this variant in disease. Therefore, it has been classified as a Variant of Uncertain Significance.

Ambry Genetics
Classification: Uncertain significance for Inborn genetic diseases. Last evaluated: 2023-06-12. Review status: criteria provided, single submitter. Criteria: Ambry Variant Classification Scheme 2023. Collection method: clinical testing. Allele origin: germline.
Comment: The p.T10S variant (also known as c.28A>T), located in coding exon 1 of the CDH2 gene, results from an A to T substitution at nucleotide position 28. The threonine at codon 10 is replaced by serine, an amino acid with similar properties. This amino acid position is conserved. In addition, this alteration is predicted to be tolerated by in silico analysis. Since supporting evidence is limited at this time, the clinical significance of this alteration remains unclear.

NM_001792.5(CDH2):c.28A>T (p.Thr10Ser)

Gene: CDH2 (cadherin 2; minus strand). Cytogenetic location: 18q12.1.
Variant type: single nucleotide variant.
Coding change: c.28A>T on transcript NM_001792.5 (MANE Select); coding-DNA position 28, A replaced by T.
Protein change: p.Thr10Ser; replaces threonine 10 with serine.
Molecular consequence: missense variant.
Genome position (GRCh38, 1-based): chr18:28,176,995, T>A on the plus strand (A>T on the coding strand, the complement: CDH2 is on the minus strand). VCF-style: chr18-28176995-T-A. GRCh37 (hg19) VCF-style: chr18-25756959-T-A.
Other names: c.28A>T (NM_001792.3); short protein forms T10S.
Identifiers: ClinVar variation 1933814 (VCV001933814.7), dbSNP rs879030779, ClinGen allele CA402245111.